The following is an entry in ClinVar:

NM_001369.3(DNAH5):c.3178_3179del (p.Lys1060fs)

Genes: DNAH5 (dynein axonemal heavy chain 5; minus strand), DNAH5-AS1 (DNAH5 antisense RNA 1; plus strand). Cytogenetic location: 5p15.2.
Variant type: Deletion.
Coding change: c.3178_3179del on transcript NM_001369.3 (MANE Select); coding-DNA positions 3178 to 3179, 2 bases deleted (AA; older notation c.3178_3179delAA).
Protein change: p.Lys1060fs; shifts the reading frame from lysine 1060.
Molecular consequence: frameshift variant.
Genome position (GRCh38, 1-based): chr5:13,882,811-13,882,812, TT deleted on the plus strand (AA on the coding strand, the reverse complement: DNAH5 is on the minus strand); deleting any 2 consecutive bases within chr5:13,882,811-13,882,815 gives the same sequence; the c. name uses the placement nearest the transcript's 3' end. VCF-style (leftmost placement, unchanged base first): chr5-13882810-CTT-C. GRCh37 (hg19) VCF-style: chr5-13882919-CTT-C.
Other names: short protein forms K1060fs.
Identifiers: ClinVar variation 4850072 (VCV004850072.1).

ClinVar aggregate classification (germline): Pathogenic (1 of 4 stars; one submission).

Conditions:
Fetal anomalies with a likely genetic cause.

Submission:

Genetics Laboratory, Great Ormond Street Hospital NHS Foundation Trust, North Thames Genomic Laboratory Hub
Classification: Pathogenic for Fetal anomalies with a likely genetic cause. Last evaluated: 2026-03-10. Review status: criteria provided, single submitter. Criteria: ACGS Best Practice Guidelines for Variant Classification in Rare Disease 2024 v1.2. Collection method: clinical testing. Allele origin: germline. Affected: yes.
Comment: PM2_moderate, PVS1_very-strong